The following is an entry in ClinVar:

ClinVar aggregate classification (germline): Pathogenic. Review status: reviewed by expert panel (3 of 4 stars). 7 submissions from 7 submitters: Pathogenic (1). 6 of the submissions do not count toward it. Last evaluated 2021-04-02.

Conditions:
Pyruvate dehydrogenase complex deficiency (PDHC). Also called: PYRUVATE DECARBOXYLASE DEFICIENCY; Pyruvate dehydrogenase deficiency; Ataxia with lactic acidosis 1; Pyruvate Dehydrogenase Complex Deficiency Disease; PDH DEFICIENCY. Identifiers: Orphanet 765, Orphanet 79243, MedGen C0034345, MONDO:0019169.
Pyruvate dehydrogenase E1-alpha deficiency (PDHAD). Also called: ATAXIA, INTERMITTENT, WITH PYRUVATE DEHYDROGENASE DEFICIENCY; ATAXIA WITH LACTIC ACIDOSIS I; ATAXIA, INTERMITTENT, WITH ABNORMAL PYRUVATE METABOLISM; Ataxia, intermittent, with pyruvate dehydrogenase, or decarboxylase, deficiency. Identifiers: Orphanet 79243, MedGen C1839413, MONDO:0010717, OMIM 312170.

Submissions (7):

ClinGen Mitochondrial Disease Nuclear and Mitochondrial  Variant Curation Expert Panel, ClinGen
Classification: Pathogenic for Pyruvate dehydrogenase complex deficiency. Last evaluated: 2021-04-02. Review status: reviewed by expert panel. Criteria: clingen mito disease acmg specifications v1-1. Collection method: curation. Allele origin: germline. Inheritance: X-linked inheritance.
Comment: The c.910C>T; p. R304X variant in the PDHA1 gene is a nonsense mutation resulting in truncation >50bp upstream of the last exon-exon junction in PDHA1 and is predicted to undergo nonsense mediated decay (PVS1). While this mutation occurs in a hotspot domain (aa position R304, phosphorylation loop region), it is predicted to undergo nonsense mediated decay so PM1 was not scored. This variant is absent from population databases (PM2). The variant was not seen in patient’s mother, but maternity was not confirmed (PM6_supporting). Blood pyruvate was significantly elevated at 0.84mM with a lactate/pyruvate ratio of 19, which the PDHA1 Curation Expert Panel agreed was supportive of pathogenicity (PP4). In summary, this variant meets criteria to be classified as a pathogenic of PDHA1- related pyruvate dehydrogenase deficiency in an X-linked manner. PDHA1-specific ACMG/AMP criteria applied: (PVS1, PM2, PM6_supporting, PP4). This was reviewed with the PDHA1 expert panel on 2/16/2021 and approved on 03/10/2021.

Molecular Genetics laboratory, Necker Hospital
Classification: Pathogenic for Pyruvate dehydrogenase E1-alpha deficiency. Last evaluated: 2026-06-20. Review status: criteria provided, single submitter. Criteria: ACMG Guidelines, 2015. Collection method: clinical testing. Allele origin: de novo. Affected: yes. Observed: 1 variant allele. Not counted in ClinVar's aggregate classification.
Comment: The NM_000284.3(PDHA1):c.910C>T is a nonsense variant in PDHA1 which is predicted to result in a premature STOP codon at position 304 and likely results in an absent or disrupted protein product in a gene where loss-of-function is a known mechanism of disease (PVS1). This variant is not present in gnomAD (PM2; version 4.1.1). This patient has already been reported as pathogenic in Clinvar (variation ID: 214935 ). In summary, this variant meets criteria to be classified as pathogenic for pyruvate dehydrogenase E1-alpha deficiency syndrome based on the ACMG/AMP criteria applied: PVS1, PS2, PM2 (PMID: 25741868).

Labcorp Genetics (formerly Invitae), Labcorp
Classification: Pathogenic for Pyruvate dehydrogenase E1-alpha deficiency. Last evaluated: 2024-09-05. Review status: criteria provided, single submitter. Criteria: Invitae Variant Classification Sherloc (09022015). Collection method: clinical testing. Allele origin: germline. Not counted in ClinVar's aggregate classification.
Comment: This sequence change creates a premature translational stop signal (p.Arg304*) in the PDHA1 gene. It is expected to result in an absent or disrupted protein product. Loss-of-function variants in PDHA1 are known to be pathogenic (PMID: 10679936, 21914562). This variant is not present in population databases (gnomAD no frequency). This premature translational stop signal has been observed in individual(s) with pyruvate dehydrogenase complex deficiency (PMID: 33204598). This variant is also known as c.1024C>T (Arg342*). ClinVar contains an entry for this variant (Variation ID: 214935). For these reasons, this variant has been classified as Pathogenic.

CeGaT Center for Human Genetics Tuebingen
Classification: Pathogenic. Last evaluated: 2024-05-01. Review status: criteria provided, single submitter. Criteria: CeGaT Center For Human Genetics Tuebingen Variant Classification Criteria Version 2. Collection method: clinical testing. Allele origin: germline. Affected: yes. Observed: 1 variant allele. Not counted in ClinVar's aggregate classification.
Comment: PDHA1: PVS1, PS2, PM2, PS4:Moderate

GeneDx
Classification: Pathogenic. Last evaluated: 2022-06-24. Review status: criteria provided, single submitter. Criteria: GeneDx Variant Classification Process June 2021. Collection method: clinical testing. Allele origin: germline. Affected: yes. Not counted in ClinVar's aggregate classification.
Comment: Nonsense variant predicted to result in protein truncation or nonsense mediated decay in a gene for which loss of function is a known mechanism of disease; Not observed at significant frequency in large population cohorts (gnomAD); This variant is associated with the following publications: (PMID: 30283815, 21914562, 33204598)

Cytogénomique, Hospices Civils de Lyon
Classification: Pathogenic for Pyruvate dehydrogenase E1-alpha deficiency. Last evaluated: 2015-10-22. Review status: criteria provided, single submitter. Criteria: ACMG Guidelines, 2015. Collection method: clinical testing. Allele origin: de novo. Inheritance: X-linked inheritance. Affected: yes. Not counted in ClinVar's aggregate classification.

PDHA1 Study Group, University Children’s Hospital, Paracelsus Medical University
Classification: Pathogenic for Pyruvate dehydrogenase E1-alpha deficiency. Last evaluated: 2024-10-15. Review status: no assertion criteria provided. Collection method: research. Allele origin: de novo. Affected: yes. Observed: 6 variant alleles. Not counted in ClinVar's aggregate classification.
Comment: The NM_000284.3:c.910C>T (p.Arg304Ter) change is a nonsense variant in PDHA1 gene. This variant is predicted to result in nonsense-mediated decay (NMD). In total, 6 individuals are diagnosed with PDHA1-related Pyruvate dehydrogenase complex (PDHc) deficiency (MIM #312170). These include 6 females. Among them, 4 cases have confirmed de novo occurrence. The variant has been reported in 2 published cases (PMIDs: 21914562, 35943828). Additional 4 unpublished cases from internal data are included. Last literature search: July 12, 2024. This variant is absent or extremely rare in population-based cohorts in the Genome Aggregation Database (gnomAD). Individuals harboring this variant present with clinical features compatible with PDHA1-related PDHc deficiency. In summary, this variant meets criteria to be classified as pathogenic (P) for PDHA1-related PDHc deficiency based on the ACMG/AMP criteria applied: PVS1, PS3, PM2, PM7 (last assessment October 15, 2024).

Literature cited by the submitters: PubMed 10679936 (cited by Labcorp Genetics (formerly Invitae), Labcorp); PubMed 21914562 (cited by Labcorp Genetics (formerly Invitae), Labcorp and PDHA1 Study Group, University Children’s Hospital, Paracelsus Medical University); PubMed 33204598 (cited by Labcorp Genetics (formerly Invitae), Labcorp); PubMed 35943828 (cited by PDHA1 Study Group, University Children’s Hospital, Paracelsus Medical University); DOI 10.1093/brain/awaf430 (cited by PDHA1 Study Group, University Children’s Hospital, Paracelsus Medical University).

NM_000284.4(PDHA1):c.910C>T (p.Arg304Ter)

Gene: PDHA1 (pyruvate dehydrogenase E1 subunit alpha 1; plus strand). Cytogenetic location: Xp22.12.
Variant type: single nucleotide variant.
Coding change: c.910C>T on transcript NM_000284.4 (MANE Select); coding-DNA position 910, C replaced by T.
Protein change: p.Arg304Ter; replaces arginine 304 with a stop codon.
Molecular consequence: nonsense.
Genome position (GRCh38, 1-based): chrX:19,358,926, C>T. VCF-style: chrX-19358926-C-T. GRCh37 (hg19) VCF-style: chrX-19377044-C-T.
Other names: p.R304*:CGA>TGA; NM_000284.4(PDHA1):c.910C>T; p.Arg304Ter; c.1024C>T, p.Arg342Ter (NM_001173454.2); c.931C>T, p.Arg311Ter (NM_001173455.2); c.817C>T, p.Arg273Ter (NM_001173456.2); short protein forms R304*, R342*, R311*, R273*.
Identifiers: ClinVar variation 214935 (VCV000214935.27), dbSNP rs863224146, ClinGen allele CA321113.